The following is an entry in ClinVar:

ClinVar aggregate classification (germline): Uncertain significance. Review status: criteria provided, single submitter (1 of 4 stars). 3 submissions from 2 submitters: Uncertain significance (1). 2 of the submissions do not count toward it. Last evaluated 2026-09-08.

Conditions:
Fabry disease. Also called: ALPHA-GALACTOSIDASE A DEFICIENCY; ANDERSON-FABRY DISEASE; CERAMIDE TRIHEXOSIDASE DEFICIENCY; Fabry's disease; Angiokeratoma corporis diffusum; Ceramide trihexosidosis. Identifiers: Orphanet 324, MedGen C0002986, MONDO:0010526, OMIM 301500, HP:0001071. Disease mechanism: loss of function, Fabry disease is due to inactivating mutations in the X-linked GLA gene resulting in deficiency of the enzyme Alpha Galactosidase-A..
Migalastat response. Also called: 1-Deoxygalactonojirimycin response; Galafold response. Identifiers: MedGen CN233149.

Submissions (3):

Genomenon, Inc
Classification: Uncertain significance for Fabry disease. Last evaluated: 2026-09-08. Review status: criteria provided, single submitter. Criteria: Genomenon Sequence Variant Interpretation Standards - Updated. Collection method: curation. Allele origin: germline. Affected: yes.
Comment: GLA p.Arg196Ser (c.588A>C) is a missense variant that changes the amino acid at codon 196 from Arginine to Serine. This variant has been observed in at least one proband with clinical features consistent with Fabry disease (PMID:26415523). Functional or patient cell studies have been reported (PMID:26415523). It is absent or not present at a significant frequency in gnomAD. In silico models predict that this variant is possibly or probably damaging. In conclusion, we classify GLA p.Arg196Ser (c.588A>C) as a variant of uncertain significance.

Albrecht-Kossel-Institute, Medical University Rostock
Classification: Uncertain significance for Fabry's disease. Last evaluated: 2014-01-01. Review status: no assertion criteria provided. Collection method: research. Allele origin: inherited. Not counted in ClinVar's aggregate classification.

Albrecht-Kossel-Institute, Medical University Rostock
Classification: drug response for deoxygalactonojirimycin response. Last evaluated: 2014-01-01. Review status: no assertion criteria provided. Collection method: research. Allele origin: inherited. Not counted in ClinVar's aggregate classification.

Literature cited by the submitters: PubMed 26415523 (cited by Genomenon, Inc and Albrecht-Kossel-Institute, Medical University Rostock).

NM_000169.3(GLA):c.588A>C (p.Arg196Ser)

Genes: GLA (galactosidase alpha; minus strand), RPL36A-HNRNPH2 (RPL36A-HNRNPH2 readthrough; plus strand). Cytogenetic location: Xq22.1.
Variant type: single nucleotide variant.
Coding change: c.588A>C on transcript NM_000169.3 (MANE Select); coding-DNA position 588, A replaced by C.
Protein change: p.Arg196Ser; replaces arginine 196 with serine.
Molecular consequence: missense variant. On other transcripts: non-coding transcript variant (2), intron variant (2).
Genome position (GRCh38, 1-based): chrX:101,400,717, T>G on the plus strand (A>C on the coding strand, the complement: GLA is on the minus strand). VCF-style: chrX-101400717-T-G. GRCh37 (hg19) VCF-style: chrX-100655705-T-G.
Other names: c.711A>C, p.Arg237Ser (NM_001406747.1); c.588A>C, p.Arg196Ser (NM_001406748.1); c.300+5260T>G (NM_001199973.2); c.177+8895T>G (NM_001199974.2); short protein forms R196S, R237S.
Identifiers: ClinVar variation 217389 (VCV000217389.3), dbSNP rs869312147, ClinGen allele CA353114.